The following is an entry in ClinVar:

ClinVar aggregate classification (germline): Likely pathogenic (1 of 4 stars; one submission).

Submission:

Labcorp Genetics (formerly Invitae), Labcorp
Classification: Likely pathogenic. Last evaluated: 2019-08-15. Review status: criteria provided, single submitter. Criteria: Invitae Variant Classification Sherloc (09022015). Collection method: clinical testing. Allele origin: germline.
Comment: In summary, the currently available evidence indicates that the variant is pathogenic, but additional data are needed to prove that conclusively. Therefore, this variant has been classified as Likely Pathogenic. This variant disrupts the C-terminus of the ABCA4 protein. Other variant(s) that disrupt this region (c.6816+1G>T, c.6816+1G>A, deletion of exon 50) have been observed in individuals with ABCA4-related conditions (PMID: 30060493, 26161775, 30718709). This suggests that this may be a clinically significant region of the protein. This variant is a sub-genic deletion of the genomic region encompassing exons 48 to 49 of the ABCA4 gene. While this deletion is not anticipated to result in nonsense mediated decay, it is expected to create a truncated protein product.

Literature cited by the submitters: PubMed 30060493; PubMed 26161775; PubMed 30718709.

NC_000001.11:g.(?_93996109)_(93998110_?)del

Gene: ABCA4 (ATP binding cassette subfamily A member 4; minus strand). Cytogenetic location: 1p22.1.
Variant type: Deletion.
Identifiers: ClinVar variation 831799 (VCV000831799.7).